The following is an entry in ClinVar:

NM_004629.2(FANCG):c.1723G>C (p.Glu575Gln)

Gene: FANCG (FA complementation group G; minus strand). Cytogenetic location: 9p13.3.
Variant type: single nucleotide variant.
Coding change: c.1723G>C on transcript NM_004629.2 (MANE Select); coding-DNA position 1723, G replaced by C.
Protein change: p.Glu575Gln; replaces glutamic acid 575 with glutamine.
Molecular consequence: missense variant.
Genome position (GRCh38, 1-based): chr9:35,074,408, C>G on the plus strand (G>C on the coding strand, the complement: FANCG is on the minus strand). VCF-style: chr9-35074408-C-G. GRCh37 (hg19) VCF-style: chr9-35074405-C-G.
Other names: short protein forms E575Q.
Identifiers: ClinVar variation 4022529 (VCV004022529.1).
Genomic context (GRCh38, chr9:35,074,408, plus strand): 5'-AAGCCAGCAGGCCTGAGCCTCACCACAGAGCATCTTCATGTGACCCCTTAGTTTGGGCCT[C>G]CAGCCTCCACCAGAGTGCAGTGGCCTCATCCCTCCGATCTAGCCTCTTCAGAGTCTGAAG-3'
Protein context (NP_004620.1, residues 565-585): DEATALWWRL[Glu575Gln]AQTKGSHEDA

ClinVar aggregate classification (germline): Uncertain significance (1 of 4 stars; one submission).

Conditions:
Inborn genetic diseases. Identifiers: MedGen C0950123, MeSH D030342.

Submission:

Ambry Genetics
Classification: Uncertain significance for Inborn genetic diseases. Last evaluated: 2025-05-23. Review status: criteria provided, single submitter. Criteria: Ambry Variant Classification Scheme 2023. Collection method: clinical testing. Allele origin: germline.
Comment: The p.E575Q variant (also known as c.1723G>C), located in coding exon 13 of the FANCG gene, results from a G to C substitution at nucleotide position 1723. The glutamic acid at codon 575 is replaced by glutamine, an amino acid with highly similar properties. This amino acid position is conserved. In addition, this alteration is predicted to be tolerated by in silico analysis. Based on the available evidence, the clinical significance of this variant remains unclear.